The following is an entry in ClinVar:

NM_021147.5(CCNO):c.187dup (p.Ser63fs)

Gene: CCNO (cyclin O; minus strand). Cytogenetic location: 5q11.2.
Variant type: Duplication.
Coding change: c.187dup on transcript NM_021147.5 (MANE Select); coding-DNA position 187, one base duplicated (T; older notation c.187dupT).
Protein change: p.Ser63fs; shifts the reading frame from serine 63.
Molecular consequence: frameshift variant. On other transcripts: non-coding transcript variant (2).
Genome position (GRCh38, 1-based): chr5:55,233,337, A duplicated on the plus strand (T on the coding strand, the reverse complement: CCNO is on the minus strand). VCF-style (leftmost placement, unchanged base first): chr5-55233336-G-GA. GRCh37 (hg19) VCF-style: chr5-54529164-G-GA.
Other names: short protein forms S63fs.
Identifiers: ClinVar variation 5040650 (VCV005040650.1).

ClinVar aggregate classification (germline): Pathogenic (1 of 4 stars; one submission).

Submission:

CeGaT Center for Human Genetics Tuebingen
Classification: Pathogenic. Last evaluated: 2026-08-01. Review status: criteria provided, single submitter. Criteria: CeGaT Center For Human Genetics Tuebingen Variant Classification Criteria Version 2. Collection method: clinical testing. Allele origin: germline. Affected: yes. Observed: 1 variant allele.
Comment: CCNO: PVS1, PM2